The following is an entry in ClinVar:

NM_007294.4(BRCA1):c.2185G>T (p.Glu729Ter)

Gene: BRCA1 (BRCA1 DNA repair associated; minus strand). Cytogenetic location: 17q21.31.
Variant type: single nucleotide variant.
Coding change: c.2185G>T on transcript NM_007294.4 (MANE Select); coding-DNA position 2185, G replaced by T.
Protein change: p.Glu729Ter; replaces glutamic acid 729 with a stop codon.
Molecular consequence: nonsense. On other transcripts: intron variant (137).
Genome position (GRCh38, 1-based): chr17:43,093,346, C>A on the plus strand (G>T on the coding strand, the complement: BRCA1 is on the minus strand). VCF-style: chr17-43093346-C-A. GRCh37 (hg19) VCF-style: chr17-41245363-C-A.
Other names: c.404-2314G>T (NM_001408511.1); c.646+1398G>T (NM_001408457.1, NM_001408460.1, NM_001408454.1 and 11 more transcripts); c.520+1398G>T (NM_001408505.1, NM_001408504.1, NM_001408503.1); c.461-2314G>T (NM_001408507.1, NM_001408506.1); c.545-2314G>T (NM_001408495.1); c.661+1398G>T (NM_001408448.1, NM_001408445.1, NM_001408432.1 and 6 more transcripts); c.668-2314G>T (NM_001408421.1, NM_001408431.1, NM_001408424.1); c.784+1398G>T (NM_001407991.1, NM_001408407.1, NM_001408402.1 and 13 more transcripts); and 41 more; short protein forms E729*, E682*, E561*, E601*, E659*, E681*, E618*, E640*.
Identifiers: ClinVar variation 417823 (VCV000417823.3), dbSNP rs876659852, ClinGen allele CA10597633.

ClinVar aggregate classification (germline): Pathogenic. Review status: reviewed by expert panel (3 of 4 stars). 3 submissions from 3 submitters: Pathogenic (1). 2 of the submissions do not count toward it. Last evaluated 2017-12-15.

Conditions:
Breast-ovarian cancer, familial, susceptibility to, 1 (BROVCA1). Also called: BRCA1 Hereditary Breast and Ovarian Cancer; OVARIAN CANCER, SUSCEPTIBILITY TO. Identifiers: Orphanet 145, MedGen C2676676, MONDO:0011450, OMIM 604370. Disease mechanism: loss of function.
Hereditary breast ovarian cancer syndrome. Also called: Hereditary breast and ovarian cancer syndrome; Breast and ovarian cancer; Hereditary breast and ovarian cancer syndrome (HBOC); Hereditary breast and/or ovarian cancer syndrome; BRCA1- and BRCA2-Associated Hereditary Breast and Ovarian Cancer; Hereditary breast and ovarian cancer. Identifiers: Orphanet 145, MedGen C0677776, MeSH D061325, MONDO:0003582. Disease mechanism: loss of function.

Submissions (3):

Evidence-based Network for the Interpretation of Germline Mutant Alleles (ENIGMA)
Classification: Pathogenic for Breast-ovarian cancer, familial, susceptibility to, 1. Last evaluated: 2017-12-15. Review status: reviewed by expert panel. Criteria: ENIGMA BRCA1/2 Classification Criteria (2017-06-29). Collection method: curation. Allele origin: germline. Study: ENIGMA.
Comment: Variant allele predicted to encode a truncated non-functional protein.

Department of Medical Genetics, Oslo University Hospital
Classification: Pathogenic for Breast-ovarian cancer, familial, susceptibility to, 1. Last evaluated: 2015-07-01. Review status: criteria provided, single submitter. Criteria: ACMG Guidelines, 2015. Collection method: clinical testing. Allele origin: germline. Affected: yes. Observed: 1 variant allele. Not counted in ClinVar's aggregate classification.

Research Molecular Genetics Laboratory, Women's College Hospital, University of Toronto
Classification: Pathogenic for Hereditary breast ovarian cancer syndrome. Last evaluated: 2014-01-31. Review status: no assertion criteria provided. Collection method: research. Allele origin: germline. Affected: yes. Study: The Canadian Open Genetics Repository (COGR). Not counted in ClinVar's aggregate classification.